The following is an entry in ClinVar:

ClinVar aggregate classification (germline): Uncertain significance (1 of 4 stars; one submission).

Conditions:
Hereditary cancer-predisposing syndrome. Also called: Hereditary Cancer Syndrome; Hereditary neoplastic syndrome; Tumor predisposition; Neoplastic Syndromes, Hereditary. Identifiers: Orphanet 140162, MedGen C0027672, MeSH D009386, MONDO:0015356.

Submission:

Ambry Genetics
Classification: Uncertain significance for Hereditary cancer-predisposing syndrome. Last evaluated: 2024-09-30. Review status: criteria provided, single submitter. Criteria: Ambry Variant Classification Scheme 2023. Collection method: clinical testing. Allele origin: germline.
Comment: The p.D302E variant (also known as c.906C>G), located in coding exon 3 of the ALK gene, results from a C to G substitution at nucleotide position 906. The aspartic acid at codon 302 is replaced by glutamic acid, an amino acid with highly similar properties. This amino acid position is conserved. In addition, this alteration is predicted to be tolerated by in silico analysis. Based on the available evidence, the clinical significance of this variant remains unclear.

NM_004304.5(ALK):c.906C>G (p.Asp302Glu)

Gene: ALK (ALK receptor tyrosine kinase; minus strand). Cytogenetic location: 2p23.2.
Variant type: single nucleotide variant.
Coding change: c.906C>G on transcript NM_004304.5 (MANE Select); coding-DNA position 906, C replaced by G.
Protein change: p.Asp302Glu; replaces aspartic acid 302 with glutamic acid.
Molecular consequence: missense variant.
Genome position (GRCh38, 1-based): chr2:29,694,896, G>C on the plus strand (C>G on the coding strand, the complement: ALK is on the minus strand). VCF-style: chr2-29694896-G-C. GRCh37 (hg19) VCF-style: chr2-29917762-G-C.
Other names: short protein forms D302E.
Identifiers: ClinVar variation 3524776 (VCV003524776.1).
Genomic context (GRCh38, chr2:29,694,896, plus strand): 5'-AGCCTCTCCCTTACCTCTGGGCATCTCCTTAGAACGCTCTGCCCCAGGCCCATCCAGCAA[G>C]TCCATCTGGGAGGCCTCCTCGGAGGGGATGCGGCGCCAGGACCAGCTCTGGTTCCTGAGG-3'
Protein context (NP_004295.2, residues 292-312): RIPSEEASQM[Asp302Glu]LLDGPGAERS